The following is an entry in ClinVar:

NM_003221.4(TFAP2B):c.899G>A (p.Arg300His)

Gene: TFAP2B (transcription factor AP-2 beta; plus strand). Cytogenetic location: 6p12.3.
Variant type: single nucleotide variant.
Coding change: c.899G>A on transcript NM_003221.4 (MANE Select); coding-DNA position 899, G replaced by A.
Protein change: p.Arg300His; replaces arginine 300 with histidine.
Molecular consequence: missense variant.
Genome position (GRCh38, 1-based): chr6:50,838,052, G>A. VCF-style: chr6-50838052-G-A. GRCh37 (hg19) VCF-style: chr6-50805765-G-A.
Other names: short protein forms R300H.
Identifiers: ClinVar variation 3253401 (VCV003253401.1), dbSNP rs2533148487.

ClinVar aggregate classification (germline): Likely pathogenic (1 of 4 stars; one submission).

Submission:

GeneDx
Classification: Likely pathogenic. Last evaluated: 2023-12-02. Review status: criteria provided, single submitter. Criteria: GeneDx Variant Classification Process June 2021. Collection method: clinical testing. Allele origin: germline. Affected: yes.
Comment: Not observed in large population cohorts (gnomAD); In silico analysis supports that this missense variant has a deleterious effect on protein structure/function; Has not been previously published as pathogenic or benign to our knowledge